The following is an entry in ClinVar:

ClinVar aggregate classification (germline): Uncertain significance (1 of 4 stars; one submission).

Conditions:
Ehlers-Danlos syndrome, classic type, 1 (EDSCL1). Also called: EHLERS-DANLOS SYNDROME, GRAVIS TYPE; EHLERS-DANLOS SYNDROME, SEVERE CLASSIC TYPE; Ehlers-Danlos syndrome, type 1; Ehlers-Danlos Syndrome, Classic Type, COL5A1-Related; EDS I. Identifiers: MedGen C0268335, MONDO:0019567, OMIM 130000.

gnomAD v4.1: 1 of 1,614,226 alleles (0.000062%); highest among the groups gnomAD compares: Non-Finnish European, 0.000085%; no homozygotes.

Submission:

Labcorp Genetics (formerly Invitae), Labcorp
Classification: Uncertain significance for Ehlers-Danlos syndrome, classic type, 1. Last evaluated: 2024-01-03. Review status: criteria provided, single submitter. Criteria: Invitae Variant Classification Sherloc (09022015). Collection method: clinical testing. Allele origin: germline.
Comment: This sequence change replaces glutamine, which is neutral and polar, with histidine, which is basic and polar, at codon 610 of the COL5A2 protein (p.Gln610His). This variant is not present in population databases (gnomAD no frequency). This variant has not been reported in the literature in individuals affected with COL5A2-related conditions. Advanced modeling of protein sequence and biophysical properties (such as structural, functional, and spatial information, amino acid conservation, physicochemical variation, residue mobility, and thermodynamic stability) performed at Invitae indicates that this missense variant is not expected to disrupt COL5A2 protein function with a negative predictive value of 80%. In summary, the available evidence is currently insufficient to determine the role of this variant in disease. Therefore, it has been classified as a Variant of Uncertain Significance.

NM_000393.5(COL5A2):c.1830G>T (p.Gln610His)

Gene: COL5A2 (collagen type V alpha 2 chain; minus strand). Cytogenetic location: 2q32.2.
Variant type: single nucleotide variant.
Coding change: c.1830G>T on transcript NM_000393.5 (MANE Select); coding-DNA position 1830, G replaced by T.
Protein change: p.Gln610His; replaces glutamine 610 with histidine.
Molecular consequence: missense variant.
Genome position (GRCh38, 1-based): chr2:189,063,211, C>A on the plus strand (G>T on the coding strand, the complement: COL5A2 is on the minus strand). VCF-style: chr2-189063211-C-A. GRCh37 (hg19) VCF-style: chr2-189927937-C-A.
Other names: short protein forms Q610H.
Identifiers: ClinVar variation 2738679 (VCV002738679.3), dbSNP rs2469296006, ClinGen allele CA349879890.